The following is an entry in ClinVar:

ClinVar aggregate classification (germline): Conflicting classifications of pathogenicity. Review status: criteria provided, conflicting classifications (1 of 4 stars). 3 submissions from 3 submitters: Pathogenic (1); Uncertain significance (1); Likely benign (1). Last evaluated 2025-12-30.

Conditions:
Tay-Sachs disease (TSD). Also called: Hexosaminidase A Deficiency; GM2 gangliosidosis, type 1; Hexosaminidase alpha-subunit deficiency (variant B); Sphingolipidosis, Tay-Sachs; HEXA Disorders; HEXA DEFICIENCY. Identifiers: Orphanet 845, MedGen C0039373, MONDO:0010100, OMIM 272800.

Submissions (3):

Department of Clinical Genetics, Aarhus University Hospital
Classification: Pathogenic for Tay-Sachs disease. Last evaluated: 2025-12-30. Review status: criteria provided, single submitter. Criteria: ACMG Guidelines, 2015. Collection method: clinical testing, in vitro. Allele origin: inherited, not applicable. Inheritance: Autosomal recessive inheritance. Affected: yes. Observed: 2 variant alleles. Functional consequence: splicing variant.
Comment: This variant was found in compound heterozygous state with HEXA c.754C>T p.(Arg252Cys). The variant is part of a multinucleotide variation (MNV), comprising of c.1305C>T (p.Tyr435=) and c.1306A>G (p.Ile436Val). Hence, the correct nomenclature is c.1305_1306delinsTG. The c.1306A>G (p.Ile436Val), is found at a population frequency of 0.98 (gnomAD v4.1), suggesting that it is the major allele. The c.1305C>T in isolation is found at frequency 0.00004 in gnomAD v4.1. The variant c.1305C>T (p.Tyr435=) has previously been reported in multiple individuals affected with Tay-Sachs Disease (PMID:20363167;25606403;22789865). Splice computational tools (SpliceAI) predict that the variant affects exonic splicing enhancer/silencer site(s), resulting in skipping of exon 11. Missplicing of HEXA mRNA was confirmed by RNA-Seqeuncing of the patient's blood showing a near complete effect. According to the ACMG guidelines, this variant is interpreted as pathogenic (PM2_supporting, PM3, PP4_strong, PVS1_strong).

Women's Health and Genetics/Laboratory Corporation of America, LabCorp
Classification: Uncertain significance. Last evaluated: 2025-04-17. Review status: criteria provided, single submitter. Criteria: LabCorp Variant Classification Summary - May 2015. Collection method: clinical testing. Allele origin: germline.
Comment: Variant summary: HEXA c.1305_1306delinsTG (p.Ile436Val) results in a conservative amino acid change in the encoded protein sequence. Three of five in-silico tools predict a benign effect of the variant on protein function. Computational tools predict a significant impact on normal splicing, particularly that the variant affects exonic splicing enhancer/silencer site(s), resulting in a higher chance of exon skipping than the WT allele. However, these predictions have yet to be confirmed by functional studies. This variant is a multinucleotide variation (MNV) comprising of c.1305C>T (p.Tyr435=) and c.1306A>G (p.Ile436Val). The single nucleotide variant (SNV), c.1306A>G (p.Ile436Val), was found at a population frequency of 0.96 (gnomAD), suggesting that it is the major allele. The other SNV, c.1305C>T (p.Tyr435=), was found at a frequency of 4e-05 in 1606950 control chromosomes (gnomAD v4.1). Examination of the IGV read data in the gnomAD database supports that the two variants tend to occur together in the same reads, i.e. as an MNV. Based on the frequency of the least prevalent allele, namely c.1305C>T, it can be estimated that this MNV allele will be found at a frequency not to exceed 4e-05. This frequency is not higher than the maximum expected for a pathogenic variant in HEXA causing Tay-Sachs Disease (0.0014), allowing no conclusion about variant significance. To our knowledge, no occurrence of c.1305_1306delinsTG in individuals affected with Tay-Sachs Disease and no experimental evidence demonstrating its impact on protein function have been reported. However, c.1305C>T (p.Tyr435=) in isolation has been reported in the literature in individuals affected with the juvenile form Tay-Sachs Disease and related phenotypes (e.g. Levit_2010, Gort_2012, Fernandez-Marmiesse_2014, Georgiou_2014, Martinez-Rubio_2022) and has been cited as likely pathogenic by our lab and others in ClinVar. Of interest, one of the publications (Levit_2010) includes evidence for the presence of c.1305C>T and c.1306A>G alleles in cis in the reported patient which would correspond to the variant of interest c.1305_1306delinsTG, but this could not be confirmed with the authors at time of classification. The c.1306A>G (p.Ile436Val) in isolation has been reported as benign among several submitters in the ClinVar database (ClinVar ID 93189). The following publications have been ascertained in the context of this evaluation (PMID: 24767253, 25606403, 22789865, 20363167, 36233161). ClinVar contains an entry for this variant c.1305_1306delinsTG (Variation ID: 697284). Based on the evidence outlined above, while the isolated SNVs, c.1305C>T (p.Tyr435=) and c.1306A>G (p.Ile436Val) are classified as 'likely pathogenic' and 'benign' respectively, this MNV (c.1305_1306delinsTG) was classified as VUS-possibly pathogenic.

Labcorp Genetics (formerly Invitae), Labcorp
Classification: Likely benign for Tay-Sachs disease. Last evaluated: 2021-12-17. Review status: criteria provided, single submitter. Criteria: Invitae Variant Classification Sherloc (09022015). Collection method: clinical testing. Allele origin: germline.

Literature cited by the submitters: PubMed 20363167 (cited by Department of Clinical Genetics, Aarhus University Hospital and Women's Health and Genetics/Laboratory Corporation of America, LabCorp); PubMed 25606403 (cited by Department of Clinical Genetics, Aarhus University Hospital and Women's Health and Genetics/Laboratory Corporation of America, LabCorp); PubMed 22789865 (cited by Department of Clinical Genetics, Aarhus University Hospital and Women's Health and Genetics/Laboratory Corporation of America, LabCorp); PubMed 24767253 (cited by Women's Health and Genetics/Laboratory Corporation of America, LabCorp); PubMed 36233161 (cited by Women's Health and Genetics/Laboratory Corporation of America, LabCorp).

NM_000520.6(HEXA):c.1305_1306inv (p.Ile436Val)

Gene: HEXA (hexosaminidase subunit alpha; minus strand). Cytogenetic location: 15q23.
Variant type: Inversion.
Coding change: c.1305_1306inv on transcript NM_000520.6 (MANE Select).
Protein change: p.Ile436Val; replaces isoleucine 436 with valine.
Molecular consequence: missense variant.
Genome position: GRCh38 VCF-style: chr15-72346551-TG-CA. GRCh37 (hg19) VCF-style: chr15-72638892-TG-CA.
Other names: c.1338_1339inv, p.Ile447Val (NM_001318825.2); c.1305_1306delinsTG (NM_000520.6); short protein forms I436V, I447V.
Identifiers: ClinVar variation 697284 (VCV000697284.9), ClinGen allele CA915946066.
Genomic context (GRCh38, chr15:72,346,551, plus strand): 5'-CTCCTTTGGTTAGCAAGGAGAGCTCTCTGCTTTCACCTTCAAATGCCAGGGGTTCCACTA[TG>CA]TAGAAATCCTTCCAGTCAGGGCCATAGGATATACGGTTCAGGTACCAGGGGGCAGAGAGA-3'
Protein context (NP_000511.2, residues 426-446): SYGPDWKDFY[Ile436Val]VEPLAFEGTP